The following is an entry in ClinVar:

ClinVar aggregate classification (germline): Pathogenic. Review status: criteria provided, multiple submitters, no conflicts (2 of 4 stars). 2 submissions from 2 submitters: Pathogenic (2). Last evaluated 2024-12-10.

Conditions:
Cardiovascular phenotype. Identifiers: MedGen CN230736.
Catecholaminergic polymorphic ventricular tachycardia 1. Also called: VENTRICULAR TACHYCARDIA, CATECHOLAMINERGIC POLYMORPHIC, 1, WITH OR WITHOUT ATRIAL DYSFUNCTION AND/OR DILATED CARDIOMYOPATHY; VENTRICULAR TACHYCARDIA, STRESS-INDUCED POLYMORPHIC 1; RYR2-Related Catecholaminergic Polymorphic Ventricular Tachycardia. Identifiers: Orphanet 3286, MedGen C1631597, MONDO:0011484, OMIM 604772.

Allele frequency attached by ClinVar (database versions not stated): gnomAD exomes below 0.00001.
gnomAD v4.1: 1 of 1,613,732 alleles (0.000062%); highest among the groups gnomAD compares: Non-Finnish European, 0.000085%; no homozygotes.

Submissions (2):

Labcorp Genetics (formerly Invitae), Labcorp
Classification: Pathogenic for Catecholaminergic polymorphic ventricular tachycardia 1. Last evaluated: 2024-12-10. Review status: criteria provided, single submitter. Criteria: Invitae Variant Classification Sherloc (09022015). Collection method: clinical testing. Allele origin: germline.
Comment: This sequence change creates a premature translational stop signal (p.Gln67*) in the CASQ2 gene. It is expected to result in an absent or disrupted protein product. Loss-of-function variants in CASQ2 are known to be pathogenic (PMID: 12386154). This variant is not present in population databases (gnomAD no frequency). This premature translational stop signal has been observed in individual(s) with catecholaminergic polymorphic ventricular tachycardia (PMID: 29178653). ClinVar contains an entry for this variant (Variation ID: 1784131). For these reasons, this variant has been classified as Pathogenic.

Ambry Genetics
Classification: Pathogenic for Cardiovascular phenotype. Last evaluated: 2024-10-04. Review status: criteria provided, single submitter. Criteria: Ambry Variant Classification Scheme 2023. Collection method: clinical testing. Allele origin: germline.
Comment: The p.Q67* variant (also known as c.199C>T), located in coding exon 1 of the CASQ2 gene, results from a C to T substitution at nucleotide position 199. This changes the amino acid from a glutamine to a stop codon within coding exon 1. This variant has been identified in conjunction with other CASQ2 variant(s) in individual(s) with features consistent with autosomal recessive CASQ2-related catecholaminergic polymorphic ventricular tachycardia; in at least one instance, the variants were identified in trans (Josephs K et al. Mol Genet Genomic Med, 2017 Nov;5:788-794).This variant is considered to be rare based on population cohorts in the Genome Aggregation Database (gnomAD). In addition to the clinical data presented in the literature, this alteration is expected to result in loss of function by premature protein truncation or nonsense-mediated mRNA decay. As such, this alteration is interpreted as a disease-causing mutation. (Josephs K et al. Mol Genet Genomic Med, 2017 Nov;5:788-794).

Literature cited by the submitters: PubMed 12386154 (cited by Labcorp Genetics (formerly Invitae), Labcorp); PubMed 29178653 (cited by Labcorp Genetics (formerly Invitae), Labcorp and Ambry Genetics).

NM_001232.4(CASQ2):c.199C>T (p.Gln67Ter)

Gene: CASQ2 (calsequestrin 2; minus strand). Cytogenetic location: 1p13.1.
Variant type: single nucleotide variant.
Coding change: c.199C>T on transcript NM_001232.4 (MANE Select); coding-DNA position 199, C replaced by T.
Protein change: p.Gln67Ter; replaces glutamine 67 with a stop codon.
Molecular consequence: nonsense.
Genome position (GRCh38, 1-based): chr1:115,768,343, G>A on the plus strand (C>T on the coding strand, the complement: CASQ2 is on the minus strand). VCF-style: chr1-115768343-G-A. GRCh37 (hg19) VCF-style: chr1-116310964-G-A.
Other names: short protein forms Q67*.
Identifiers: ClinVar variation 1784131 (VCV001784131.6), dbSNP rs2526105965, ClinGen allele CA341767037.